The following is an entry in ClinVar:

NM_025081.3(NYNRIN):c.3652C>T (p.His1218Tyr)

Gene: NYNRIN (NYN domain and retroviral integrase containing; plus strand). Cytogenetic location: 14q12.
Variant type: single nucleotide variant.
Coding change: c.3652C>T on transcript NM_025081.3 (MANE Select); coding-DNA position 3652, C replaced by T.
Protein change: p.His1218Tyr; replaces histidine 1218 with tyrosine.
Molecular consequence: missense variant.
Genome position (GRCh38, 1-based): chr14:24,415,401, C>T. VCF-style: chr14-24415401-C-T. GRCh37 (hg19) VCF-style: chr14-24884607-C-T.
Other names: short protein forms H1218Y.
Identifiers: ClinVar variation 4703271 (VCV004703271.1).

ClinVar aggregate classification (germline): Uncertain significance (1 of 4 stars; one submission).

gnomAD v4.1: 1 of 1,614,004 alleles (0.000062%); highest among the groups gnomAD compares: Non-Finnish European, 0.000085%; no homozygotes.

Submission:

Labcorp Genetics (formerly Invitae), Labcorp
Classification: Uncertain significance. Last evaluated: 2026-01-06. Review status: criteria provided, single submitter. Criteria: Invitae Variant Classification Sherloc (09022015). Collection method: clinical testing. Allele origin: germline.
Comment: This sequence change replaces histidine, which is basic and polar, with tyrosine, which is neutral and polar, at codon 1218 of the NYNRIN protein (p.His1218Tyr). This variant is not present in population databases (gnomAD no frequency). This variant has not been reported in the literature in individuals affected with NYNRIN-related conditions. Experimental studies and prediction algorithms are not available or were not evaluated, and the functional significance of this variant is currently unknown. In summary, the available evidence is currently insufficient to determine the role of this variant in disease. Therefore, it has been classified as a Variant of Uncertain Significance.